The following is an entry in ClinVar:

NM_006086.4(TUBB3):c.785G>A (p.Arg262His)

Gene: TUBB3 (tubulin beta 3 class III; plus strand). Cytogenetic location: 16q24.3.
Variant type: single nucleotide variant.
Coding change: c.785G>A on transcript NM_006086.4 (MANE Select); coding-DNA position 785, G replaced by A.
Protein change: p.Arg262His; replaces arginine 262 with histidine.
Molecular consequence: missense variant.
Genome position (GRCh38, 1-based): chr16:89,935,236, G>A. VCF-style: chr16-89935236-G-A. GRCh37 (hg19) VCF-style: chr16-90001644-G-A.
Other names: c.569G>A, p.Arg190His (NM_001197181.2); short protein forms R190H, R262H.
Identifiers: ClinVar variation 219256 (VCV000219256.26), dbSNP rs864321716, ClinGen allele CA347962.

ClinVar aggregate classification (germline): Pathogenic/Likely pathogenic. Review status: criteria provided, multiple submitters, no conflicts (2 of 4 stars). 12 submissions from 12 submitters: Pathogenic (9); Likely pathogenic (2). 1 of the submissions does not count toward it. Last evaluated 2025-08-25.

Conditions:
TUBB3-related tubulinopathy. Identifiers: MedGen CN322634, MONDO:0100154.
TUBB3-related disorder. Also called: TUBB3-related condition; TUBB3-related disorders.
Fibrosis of extraocular muscles, congenital, 3A, with or without extraocular involvement. Also called: CONGENITAL FIBROSIS OF EXTRAOCULAR MUSCLES 3A; FEOM3 LOCUS. Identifiers: MedGen C2748801, MONDO:0010912, OMIM 600638.

Submissions (12):

Daryl Scott Lab, Baylor College of Medicine
Classification: Pathogenic for TUBB3-related disorder. Last evaluated: 2025-08-25. Review status: criteria provided, single submitter. Criteria: ACMG Guidelines, 2015. Collection method: clinical testing. Allele origin: de novo. Affected: yes. Observed: 1 heterozygote.
Comment: PS2, PS3, PS4, PM2, PM3

Labcorp Genetics (formerly Invitae), Labcorp
Classification: Pathogenic. Last evaluated: 2024-11-11. Review status: criteria provided, single submitter. Criteria: Invitae Variant Classification Sherloc (09022015). Collection method: clinical testing. Allele origin: germline.
Comment: This sequence change replaces arginine, which is basic and polar, with histidine, which is basic and polar, at codon 262 of the TUBB3 protein (p.Arg262His). This variant is not present in population databases (gnomAD no frequency). This missense change has been observed in individual(s) with clinical features of congenital fibrosis of the extraocular muscles (PMID: 20074521, 24612975, 34652576). ClinVar contains an entry for this variant (Variation ID: 219256). Invitae Evidence Modeling of protein sequence and biophysical properties (such as structural, functional, and spatial information, amino acid conservation, physicochemical variation, residue mobility, and thermodynamic stability) indicates that this missense variant is expected to disrupt TUBB3 protein function with a positive predictive value of 80%. Experimental studies have shown that this missense change affects TUBB3 function (PMID: 20074521, 26775887, 27046833). This variant disrupts the p.Arg262 amino acid residue in TUBB3. Other variant(s) that disrupt this residue have been determined to be pathogenic (PMID: 20074521, 29453417). This suggests that this residue is clinically significant, and that variants that disrupt this residue are likely to be disease-causing. For these reasons, this variant has been classified as Pathogenic.

Blueprint Genetics
Classification: Pathogenic for TUBB3-related disorders. Last evaluated: 2024-02-26. Review status: criteria provided, single submitter. Criteria: ACMG Guidelines, 2015. Collection method: clinical testing. Allele origin: germline. Affected: yes. Observed: 2 variant alleles.

3billion
Classification: Pathogenic for Fibrosis of extraocular muscles, congenital, 3A, with or without extraocular involvement. Last evaluated: 2023-08-16. Review status: criteria provided, single submitter. Criteria: ACMG Guidelines, 2015. Collection method: clinical testing. Allele origin: germline. Affected: yes.
Comment: The variant is not observed in the gnomAD v2.1.1 dataset. Predicted Consequence/Location: Missense changes are a common disease-causing mechanism. In silico tool predictions suggest damaging effect of the variant on gene or gene product [REVEL: 0.87 (>=0.6, sensitivity 0.68 and specificity 0.92); 3Cnet: 0.95 (>=0.6, sensitivity 0.72 and precision 0.9)]. Same nucleotide change resulting in same amino acid change has been previously reported as pathogenic/likely pathogenic with strong evidence (ClinVar ID: VCV000219256 /PMID: 20074521). The variant has been previously reported as de novo in a similarly affected individual (PMID: 20074521), and observed in at least two similarly affected unrelated individuals (PMID: 20074521). A different missense change at the same codon (p.Arg262Cys) has been reported as pathogenic/likely pathogenic with strong evidence (ClinVar ID: VCV000006963 /PMID: 20074521). Therefore, this variant is classified as Pathogenic according to the recommendation of ACMG/AMP guideline.

GeneDx
Classification: Pathogenic. Last evaluated: 2022-04-16. Review status: criteria provided, single submitter. Criteria: GeneDx Variant Classification Process June 2021. Collection method: clinical testing. Allele origin: germline. Affected: yes.
Comment: Published in vitro functional studies demonstrate that the presence of the R262H variant causes reduced binding of kinesin and non-motor proteins and exhibits altered polymerization dynamics (Minoura et al., 2016).; Not observed at significant frequency in large population cohorts (gnomAD); Missense variants in this gene are often considered pathogenic (HGMD); This variant is associated with the following publications: (PMID: 27046833, 20074521, 27428177, 28840640, 31226147, 26582918, 26775887, 34652576, 27535533)

Institute of Medical Genetics and Applied Genomics, University Hospital Tübingen
Classification: Pathogenic. Last evaluated: 2020-10-23. Review status: criteria provided, single submitter. Criteria: ACMG Guidelines, 2015. Collection method: clinical testing. Allele origin: germline. Inheritance: Unknown mechanism. Affected: yes.

Baylor Genetics
Classification: Pathogenic for Fibrosis of extraocular muscles, congenital, 3A, with or without extraocular involvement. Last evaluated: 2019-09-27. Review status: criteria provided, single submitter. Criteria: ACMG Guidelines, 2015. Collection method: clinical testing. Allele origin: de novo. Affected: yes.
Comment: This variant was determined to be pathogenic according to ACMG Guidelines, 2015 [PMID:25741868].

Illumina Laboratory Services, Illumina
Classification: Pathogenic for TUBB3-related tubulinopathy. Last evaluated: 2019-05-01. Review status: criteria provided, single submitter. Criteria: ICSLVariantClassificationCriteria RUGD 01 April 2020. Collection method: clinical testing. Allele origin: unknown.
Comment: The TUBB3 c.785G>A (p.Arg262His) variant is a missense variant that has been reported in two studies, in which it is found in a de novo heterozygous state in three individuals with a severe form of congenital fibrosis of the extraocular muscles (CFEOM). Another variant at the same amino acid position has also been reported in 11 families with a milder form of CFEOM (Tischfield et al. 2010; MacKinnon et al. 2014). The p.Arg262His variant was absent from 1700 control chromosomes and is not found in the Genome Aggregation Database in a region of good sequence coverage, so the variant is presumed to be rare. Functional studies in yeast demonstrate that compared to wild-type microtubules, the p.Arg262His microtubules have prolonged growth events, longer astral microtubules, and an altered rate of polymerization and depolymerization. In vivo assays further demonstrate that p.Arg262His leads to significantly reduced kinesin interaction on microtubules and modifies the microtubule dynamics at both filament ends (Tischfield et al. 2010; Ti et al. 2016; Minoura et al. 2016). In vitro and in vivo transfection of variant TUBB3 resulted in reduced axon growth; this phenotype was rescued by co-transfection of a modified kinesin (Minoura et al. 2016). The p.Arg262His variant is predicted to abolish the hydrogen bond of the H8-S7 loop of b-tubulin and affect the tertiary protein structure and motor protein interactions with microtubules (Tischfield et al. 2010). Based on the collective evidence and application of the ACMG criteria, the p.Arg262His variant is classified as pathogenic for TUBB3-related tubulinopathy.

Clinical Genetics and Genomics, Karolinska University Hospital
Classification: Likely pathogenic. Last evaluated: 2015-06-29. Review status: criteria provided, single submitter. Criteria: ACMG Guidelines, 2015. Collection method: clinical testing. Allele origin: germline. Affected: yes. Observed: 1 variant allele.

Equipe Genetique des Anomalies du Developpement, Université de Bourgogne
Classification: Likely pathogenic for Fibrosis of extraocular muscles, congenital, 3A, with or without extraocular involvement. Last evaluated: 2015-01-01. Review status: criteria provided, single submitter. Criteria: ACMG Guidelines, 2007. Collection method: clinical testing. Allele origin: de novo. Affected: yes.

Rady Children's Institute for Genomic Medicine, Rady Children's Hospital San Diego
Classification: Pathogenic for TUBB3-related disorders. Review status: criteria provided, single submitter. Criteria: ACMG Guidelines, 2015. Collection method: clinical testing. Allele origin: germline. Affected: yes.
Comment: This variant has been previously reported as a heterozygous change in patients with congenital fibrosis of extraocular muscles (CFEOM; PMID: 20074521, 34652576). A different amino acid change at the same residue (p.Arg262Cys) has been previously reported in individuals with CFEOM (PMID: 200774521, 27428177, 28832562, 29453417). Functional studies demonstrated that the c.785G>A (p.Arg262His) variant impairs both the motility and ATPase activity of kinesin and microtubule dynamics, which is required for normal axonal growth and brain development (PMID: 26775887, 27046833, 31226147). The c.785G>A (p.Arg262His) variant is absent from the gnomAD population database and thus is presumed to be rare. The c.785G>A (p.Arg262His) variant affects a highly conserved amino acid and is predicted by multiple in silico tools to have a deleterious effect on protein function. Analysis of the parental samples was negative for the variant, indicating this variant likely occurred as a de novo event. Based on the available evidence, the c.785G>A (p.Arg262His) variant is classified as Pathogenic.

GeneReviews
No classification provided. Condition: Fibrosis of extraocular muscles, congenital, 3A, with or without extraocular involvement. Review status: no classification provided. Collection method: literature only. Allele origin: germline. Not counted in ClinVar's aggregate classification.

Literature cited by the submitters: PubMed 20074521 (cited by 4 submitters); PubMed 24612975 (cited by Labcorp Genetics (formerly Invitae), Labcorp and Illumina Laboratory Services, Illumina); PubMed 34652576 (cited by Labcorp Genetics (formerly Invitae), Labcorp); PubMed 26775887 (cited by Labcorp Genetics (formerly Invitae), Labcorp and Illumina Laboratory Services, Illumina); PubMed 27046833 (cited by Labcorp Genetics (formerly Invitae), Labcorp and Illumina Laboratory Services, Illumina); PubMed 29453417 (cited by Labcorp Genetics (formerly Invitae), Labcorp); PubMed 20301522 (cited by GeneReviews).